The following is an entry in ClinVar:

NM_001613.4(ACTA2):c.648G>C (p.Glu216Asp)

Genes: ACTA2-AS1 (ACTA2 antisense RNA 1; plus strand), ACTA2 (actin alpha 2, smooth muscle; minus strand). Cytogenetic location: 10q23.31.
Variant type: single nucleotide variant.
Coding change: c.648G>C on transcript NM_001613.4 (MANE Select); coding-DNA position 648, G replaced by C.
Protein change: p.Glu216Asp; replaces glutamic acid 216 with aspartic acid.
Molecular consequence: missense variant. On other transcripts: non-coding transcript variant (1), intron variant (1).
Genome position (GRCh38, 1-based): chr10:88,939,667, C>G on the plus strand (G>C on the coding strand, the complement: ACTA2 is on the minus strand). VCF-style: chr10-88939667-C-G. GRCh37 (hg19) VCF-style: chr10-90699424-C-G.
Other names: c.648G>C, p.Glu216Asp (NM_001141945.3, NM_001320855.2, NM_001406462.1 and 2 more transcripts); c.537G>C, p.Glu179Asp (NM_001406466.1); c.519G>C, p.Glu173Asp (NM_001406467.1, NM_001406468.1, NM_001406469.1); c.617-1425G>C (NM_001406471.1); short protein forms E173D, E179D, E216D.
Identifiers: ClinVar variation 2575103 (VCV002575103.3), dbSNP rs775575485, ClinGen allele CA029175.

ClinVar aggregate classification (germline): Conflicting classifications of pathogenicity. Review status: criteria provided, conflicting classifications (1 of 4 stars). 2 submissions from 2 submitters: Pathogenic (1); Uncertain significance (1). Last evaluated 2024-04-09.

Conditions:
Aortic aneurysm, familial thoracic 6 (AAT6). Also called: FAMILIAL THORACIC AORTIC ANEURYSM WITH LIVEDO RETICULARIS AND IRIS FLOCCULI. Identifiers: MedGen C2673186, MONDO:0012730, OMIM 611788.
Familial thoracic aortic aneurysm and aortic dissection (TAAD). Also called: Thoracic aortic aneurysms and dissections. Identifiers: Orphanet 91387, MedGen C4707243, MONDO:0019625.

Allele frequency attached by ClinVar (database versions not stated): ExAC 0.00001.
gnomAD v4.1: 1 of 1,614,064 alleles (0.000062%); highest among the groups gnomAD compares: Non-Finnish European, 0.000085%; no homozygotes.

Submissions (2):

Color Diagnostics, LLC DBA Color Health
Classification: Uncertain significance for Familial thoracic aortic aneurysm and aortic dissection. Last evaluated: 2024-04-09. Review status: criteria provided, single submitter. Criteria: ACMG Guidelines, 2015. Collection method: clinical testing. Allele origin: germline.
Comment: This missense variant replaces glutamic acid with aspartic acid at codon 216 of the ACTA2 protein. Computational prediction tools indicate that this variant has a deleterious impact on protein structure and function. To our knowledge, functional studies have not been reported for this variant. This variant has not been reported in individuals affected with ACTA2-related disorders in the literature. This variant has been identified in 1/250776 chromosomes in the general population by the Genome Aggregation Database (gnomAD). The available evidence is insufficient to determine the role of this variant in disease conclusively. Therefore, this variant is classified as a Variant of Uncertain Significance.

Clinical Genetics Unit, University of Padua
Classification: Pathogenic for Aortic aneurysm, familial thoracic 6. Last evaluated: 2024-03-15. Review status: criteria provided, single submitter. Criteria: ACMG Guidelines, 2015. Collection method: clinical testing, in vivo. Allele origin: unknown, not applicable. Affected: yes. Observed: 1 variant allele. Functional consequence: dominant negative variant.
Comment: ACTA2 is part of ACMG SF v3.3 genes recommended for return as secondary findings from clinical exome and genome sequencing (PMID: 40568962). Our study in yeast (PMID: 38486025) provides functional evidences for pathogenicity of the NM_001613.2:c.648G > C p.(Glu216Asp) variant.

Literature cited by the submitters: PubMed 40568962 (cited by Clinical Genetics Unit, University of Padua); PubMed 17994018 (cited by Clinical Genetics Unit, University of Padua).